The following is an entry in ClinVar:

NM_000059.4(BRCA2):c.5026A>G (p.Ser1676Gly)

Gene: BRCA2 (BRCA2 DNA repair associated; plus strand). Cytogenetic location: 13q13.1.
Variant type: single nucleotide variant.
Coding change: c.5026A>G on transcript NM_000059.4 (MANE Select); coding-DNA position 5026, A replaced by G.
Protein change: p.Ser1676Gly; replaces serine 1676 with glycine.
Molecular consequence: missense variant.
Genome position (GRCh38, 1-based): chr13:32,339,381, A>G. VCF-style: chr13-32339381-A-G. GRCh37 (hg19) VCF-style: chr13-32913518-A-G.
Other names: short protein forms S1676G.
Identifiers: ClinVar variation 1410371 (VCV001410371.10), dbSNP rs786203719, ClinGen allele CA387783973.

ClinVar aggregate classification (germline): Conflicting classifications of pathogenicity. Review status: criteria provided, conflicting classifications (1 of 4 stars). 4 submissions from 4 submitters: Uncertain significance (2); Likely benign (2). Last evaluated 2023-12-13.

Conditions:
Hereditary cancer-predisposing syndrome. Also called: Hereditary neoplastic syndrome; Neoplastic Syndromes, Hereditary; Hereditary Cancer Syndrome; Tumor predisposition. Identifiers: Orphanet 140162, MedGen C0027672, MeSH D009386, MONDO:0015356.
Hereditary breast ovarian cancer syndrome. Also called: Hereditary breast and ovarian cancer syndrome; Hereditary breast and ovarian cancer; BRCA1- and BRCA2-Associated Hereditary Breast and Ovarian Cancer; Hereditary breast and ovarian cancer syndrome (HBOC); Breast and ovarian cancer; Hereditary breast and/or ovarian cancer syndrome. Identifiers: Orphanet 145, MedGen C0677776, MeSH D061325, MONDO:0003582. Disease mechanism: loss of function.
Breast-ovarian cancer, familial, susceptibility to, 2 (BROVCA2). Also called: BRCA2 Hereditary Breast and Ovarian Cancer. Identifiers: Orphanet 145, MedGen C2675520, MONDO:0012933, OMIM 612555. Disease mechanism: loss of function.

Submissions (4):

All of Us Research Program, National Institutes of Health
Classification: Uncertain significance for Breast-ovarian cancer, familial, susceptibility to, 2. Last evaluated: 2023-12-13. Review status: criteria provided, single submitter. Criteria: ACMG Guidelines, 2015. Collection method: clinical testing. Allele origin: germline. Inheritance: Autosomal dominant inheritance. Observed: 1 variant allele, 1 heterozygote.
Comment: This missense variant replaces serine with glycine at codon 1676 of the BRCA2 protein. Computational prediction suggests that this variant may not impact protein structure and function (internally defined REVEL score threshold <= 0.5, PMID: 27666373). To our knowledge, functional studies have not been reported for this variant. This variant has been reported in an individual affected with breast cancer (PMID: 33471991; Leiden Open Variation Database DB-ID BRCA2_006427) and in two unaffected individuals (PMID: 30287823, 31214711, 32980694). This variant has not been identified in the general population by the Genome Aggregation Database (gnomAD). The available evidence is insufficient to determine the role of this variant in disease conclusively. Therefore, this variant is classified as a Variant of Uncertain Significance.

This study involves interpretation of variants in research participants for the purpose of population health screening. Participant phenotype was not available at the time of variant classification. Additional details can be found in publication PMID: 35346344, PMCID: PMC8962531

University of Washington Department of Laboratory Medicine, University of Washington
Classification: Likely benign for Hereditary cancer-predisposing syndrome. Last evaluated: 2023-03-23. Review status: criteria provided, single submitter. Criteria: Dines et al. (Genet Med. 2020). Collection method: curation. Allele origin: germline.
Comment: Missense variant in a coldspot region where missense variants are very unlikely to be pathogenic (PMID:31911673).

BRCA2 exon 11 coldspot. Reclassification based on statistical prior probability.

Labcorp Genetics (formerly Invitae), Labcorp
Classification: Uncertain significance for Hereditary breast ovarian cancer syndrome. Last evaluated: 2021-10-13. Review status: criteria provided, single submitter. Criteria: Invitae Variant Classification Sherloc (09022015). Collection method: clinical testing. Allele origin: germline.
Comment: This sequence change replaces serine with glycine at codon 1676 of the BRCA2 protein (p.Ser1676Gly). The serine residue is weakly conserved and there is a small physicochemical difference between serine and glycine. This variant has not been reported in the literature in individuals affected with BRCA2-related conditions. This variant is not present in population databases (ExAC no frequency). In summary, the available evidence is currently insufficient to determine the role of this variant in disease. Therefore, it has been classified as a Variant of Uncertain Significance. Advanced modeling of protein sequence and biophysical properties (such as structural, functional, and spatial information, amino acid conservation, physicochemical variation, residue mobility, and thermodynamic stability) performed at Invitae indicates that this missense variant is not expected to disrupt BRCA2 protein function.

Ambry Genetics
Classification: Likely benign for Hereditary cancer-predisposing syndrome. Last evaluated: 2020-11-27. Review status: criteria provided, single submitter. Criteria: Ambry Variant Classification Scheme 2023. Collection method: clinical testing. Allele origin: germline.

Literature cited by the submitters: PubMed 30287823 (cited by All of Us Research Program, National Institutes of Health); PubMed 31214711 (cited by All of Us Research Program, National Institutes of Health); PubMed 32980694 (cited by All of Us Research Program, National Institutes of Health); PubMed 33471991 (cited by All of Us Research Program, National Institutes of Health).